The following is an entry in ClinVar:

ClinVar aggregate classification (germline): Uncertain significance. Review status: criteria provided, multiple submitters, no conflicts (2 of 4 stars). 3 submissions from 3 submitters: Uncertain significance (3). Last evaluated 2026-01-13.

Conditions:
Atrial fibrillation, familial, 14 (ATFB14). Identifiers: MedGen C3809312, MONDO:0014156, OMIM 615378.
Cardiovascular phenotype. Identifiers: MedGen CN230736.

Allele frequency attached by ClinVar (database versions not stated): TOPMed 0.00007; gnomAD 0.00004 and 0.00005; ExAC 0.00007.

Submissions (3):

Labcorp Genetics (formerly Invitae), Labcorp
Classification: Uncertain significance for Atrial fibrillation, familial, 14. Last evaluated: 2026-01-13. Review status: criteria provided, single submitter. Criteria: Invitae Variant Classification Sherloc (09022015). Collection method: clinical testing. Allele origin: germline.
Comment: This sequence change replaces arginine, which is basic and polar, with glutamine, which is neutral and polar, at codon 154 of the SCN2B protein (p.Arg154Gln). This variant is present in population databases (rs753389706, gnomAD 0.008%). This variant has not been reported in the literature in individuals affected with SCN2B-related conditions. ClinVar contains an entry for this variant (Variation ID: 544054). An algorithm developed to predict the effect of missense changes on protein structure and function (PolyPhen-2) suggests that this variant is likely to be disruptive. In summary, the available evidence is currently insufficient to determine the role of this variant in disease. Therefore, it has been classified as a Variant of Uncertain Significance.

Ambry Genetics
Classification: Uncertain significance for Cardiovascular phenotype. Last evaluated: 2025-06-20. Review status: criteria provided, single submitter. Criteria: Ambry Variant Classification Scheme 2023. Collection method: clinical testing. Allele origin: germline.
Comment: The p.R154Q variant (also known as c.461G>A), located in coding exon 4 of the SCN2B gene, results from a G to A substitution at nucleotide position 461. The arginine at codon 154 is replaced by glutamine, an amino acid with highly similar properties. This amino acid position is conserved. In addition, this alteration is predicted to be deleterious by in silico analysis. Since supporting evidence is limited at this time, the clinical significance of this alteration remains unclear.

Fulgent Genetics
Classification: Uncertain significance for Atrial fibrillation, familial, 14. Last evaluated: 2021-09-01. Review status: criteria provided, single submitter. Criteria: ACMG Guidelines, 2015. Collection method: clinical testing. Allele origin: unknown.

NM_004588.5(SCN2B):c.461G>A (p.Arg154Gln)

Gene: SCN2B (sodium voltage-gated channel beta subunit 2; minus strand). Cytogenetic location: 11q23.3.
Variant type: single nucleotide variant.
Coding change: c.461G>A on transcript NM_004588.5 (MANE Select); coding-DNA position 461, G replaced by A.
Protein change: p.Arg154Gln; replaces arginine 154 with glutamine.
Molecular consequence: missense variant.
Genome position (GRCh38, 1-based): chr11:118,167,074, C>T on the plus strand (G>A on the coding strand, the complement: SCN2B is on the minus strand). VCF-style: chr11-118167074-C-T. GRCh37 (hg19) VCF-style: chr11-118037789-C-T.
Other names: short protein forms R154Q.
Identifiers: ClinVar variation 544054 (VCV000544054.12), dbSNP rs753389706, ClinGen allele CA6300429.
Genomic context (GRCh38, chr11:118,167,074, plus strand): 5'-ATGACCACAGCCAGGAAGCCCCCGACGGAGGCACCCACAATCACGGCCACCGTGGAGTCC[C>T]GCTCAGGGGGCTCTGGAAAGGAAGCAGAGCCACTGAGCACCAGGGCTGGGAAAGGGGCCT-3'
Protein context (NP_004579.1, residues 144-164): LQVLMEEPPE[Arg154Gln]DSTVAVIVGA